The following is an entry in ClinVar:

ClinVar aggregate classification (germline): Likely pathogenic (1 of 4 stars; one submission).

Conditions:
Ellis-van Creveld syndrome (EVC). Also called: Chondroectodermal dysplasia; MESOECTODERMAL DYSPLASIA; EVC-Related Ellis-van Creveld Syndrome; EVC2-Related Ellis-van Creveld Syndrome. Identifiers: Orphanet 289, MedGen C0013903, MONDO:0009162, OMIM 225500.
Curry-Hall syndrome (WAD). Also called: WEYERS ACRODENTAL DYSOSTOSIS. Identifiers: Orphanet 952, MedGen C0457013, MONDO:0008673, OMIM 193530.

Allele frequency attached by ClinVar (database versions not stated): gnomAD exomes below 0.00001.
gnomAD v4.1: 2 of 1,613,900 alleles (0.00012%); highest among the groups gnomAD compares: Non-Finnish European, 0.00017%; no homozygotes.

Submission:

Labcorp Genetics (formerly Invitae), Labcorp
Classification: Likely pathogenic for Curry-Hall syndrome; Ellis-van Creveld syndrome. Last evaluated: 2021-07-13. Review status: criteria provided, single submitter. Criteria: Invitae Variant Classification Sherloc (09022015). Collection method: clinical testing. Allele origin: germline.
Comment: In summary, the currently available evidence indicates that the variant is pathogenic, but additional data are needed to prove that conclusively. Therefore, this variant has been classified as Likely Pathogenic. Algorithms developed to predict the effect of sequence changes on RNA splicing suggest that this variant may disrupt the consensus splice site. This variant has not been reported in the literature in individuals affected with EVC2-related conditions. This variant is not present in population databases (ExAC no frequency). This sequence change affects a donor splice site in intron 11 of the EVC2 gene. It is expected to disrupt RNA splicing. Variants that disrupt the donor or acceptor splice site typically lead to a loss of protein function (PMID: 16199547), and loss-of-function variants in EVC2 are known to be pathogenic (PMID: 17024374, 19810119, 19876929).

Literature cited by the submitters: PubMed 16199547; PubMed 17024374; PubMed 19810119; PubMed 19876929.

NM_147127.5(EVC2):c.1710+1G>A

Gene: EVC2 (EvC ciliary complex subunit 2; minus strand). Cytogenetic location: 4p16.2.
Variant type: single nucleotide variant.
Coding change: c.1710+1G>A on transcript NM_147127.5 (MANE Select); the canonical splice donor site of the intron after coding-DNA position 1710, G replaced by A.
Molecular consequence: splice donor variant.
Genome position (GRCh38, 1-based): chr4:5,631,792, C>T on the plus strand (G>A on the coding strand, the complement: EVC2 is on the minus strand). VCF-style: chr4-5631792-C-T. GRCh37 (hg19) VCF-style: chr4-5633519-C-T.
Other names: c.1470+1G>A (NM_001166136.2).
Identifiers: ClinVar variation 1466902 (VCV001466902.7), dbSNP rs2108851279, ClinGen allele CA356148433.